The following is an entry in ClinVar:

ClinVar aggregate classification (germline): Uncertain significance. Review status: criteria provided, multiple submitters, no conflicts (2 of 4 stars). 3 submissions from 3 submitters: Uncertain significance (3). Last evaluated 2026-01-09.

Conditions:
Inborn genetic diseases. Identifiers: MedGen C0950123, MeSH D030342.

Allele frequency attached by ClinVar (database versions not stated): gnomAD 0.00006; ExAC 0.00005; TOPMed 0.00006; ESP Exome Variant Server 0.00008; gnomAD exomes 0.00020.

Submissions (3):

GeneDx
Classification: Uncertain significance. Last evaluated: 2026-01-09. Review status: criteria provided, single submitter. Criteria: GeneDx Variant Classification Process June 2021. Collection method: clinical testing. Allele origin: germline. Affected: yes.
Comment: In silico analysis supports that this missense variant has a deleterious effect on protein structure/function; Has not been previously published as pathogenic or benign to our knowledge

Ambry Genetics
Classification: Uncertain significance for Inborn genetic diseases. Last evaluated: 2024-12-06. Review status: criteria provided, single submitter. Criteria: Ambry Variant Classification Scheme 2023. Collection method: clinical testing. Allele origin: germline.

Revvity Omics, Revvity
Classification: Uncertain significance. Last evaluated: 2020-03-29. Review status: criteria provided, single submitter. Criteria: ACMG Guidelines, 2015. Collection method: clinical testing. Allele origin: germline.

NM_018255.4(ELP2):c.212A>G (p.Asp71Gly)

Gene: ELP2 (elongator acetyltransferase complex subunit 2; plus strand). Cytogenetic location: 18q12.2.
Variant type: single nucleotide variant.
Coding change: c.212A>G on transcript NM_018255.4 (MANE Select); coding-DNA position 212, A replaced by G.
Protein change: p.Asp71Gly; replaces aspartic acid 71 with glycine.
Molecular consequence: missense variant. On other transcripts: non-coding transcript variant (4), intron variant (1).
Genome position (GRCh38, 1-based): chr18:36,133,311, A>G. VCF-style: chr18-36133311-A-G. GRCh37 (hg19) VCF-style: chr18-33713274-A-G.
Other names: c.212A>G, p.Asp71Gly (NM_001242875.3, NM_001242876.3, NM_001242877.3 and 5 more transcripts); c.-230-2996A>G (NM_001324468.2); short protein forms D71G.
Identifiers: ClinVar variation 2373129 (VCV002373129.8), dbSNP rs368342716, ClinGen allele CA8939514.